The following is an entry in ClinVar:

NM_001371986.1(UNC80):c.7298T>C (p.Leu2433Pro)

Gene: UNC80 (unc-80 subunit of NALCN channel complex; plus strand). Cytogenetic location: 2q34.
Variant type: single nucleotide variant.
Coding change: c.7298T>C on transcript NM_001371986.1 (MANE Select); coding-DNA position 7298, T replaced by C.
Protein change: p.Leu2433Pro; replaces leucine 2433 with proline.
Molecular consequence: missense variant.
Genome position (GRCh38, 1-based): chr2:209,954,111, T>C. VCF-style: chr2-209954111-T-C. GRCh37 (hg19) VCF-style: chr2-210818835-T-C.
Other names: c.7100T>C, p.Leu2367Pro (NM_032504.2); c.7085T>C, p.Leu2362Pro (NM_182587.4); short protein forms L2367P, L2362P, L2433P.
Identifiers: ClinVar variation 1514701 (VCV001514701.8), dbSNP rs2124994427, ClinGen allele CA350775141.

ClinVar aggregate classification (germline): Uncertain significance (1 of 4 stars; one submission).

Submission:

Labcorp Genetics (formerly Invitae), Labcorp
Classification: Uncertain significance. Last evaluated: 2022-03-03. Review status: criteria provided, single submitter. Criteria: Invitae Variant Classification Sherloc (09022015). Collection method: clinical testing. Allele origin: germline.
Comment: This variant has not been reported in the literature in individuals affected with UNC80-related conditions. This variant is not present in population databases (gnomAD no frequency). This sequence change replaces leucine, which is neutral and non-polar, with proline, which is neutral and non-polar, at codon 2367 of the UNC80 protein (p.Leu2367Pro). Algorithms developed to predict the effect of missense changes on protein structure and function are either unavailable or do not agree on the potential impact of this missense change (SIFT: "Not Available"; PolyPhen-2: "Possibly Damaging"; Align-GVGD: "Not Available"). In summary, the available evidence is currently insufficient to determine the role of this variant in disease. Therefore, it has been classified as a Variant of Uncertain Significance.